The following is an entry in ClinVar:

ClinVar aggregate classification (germline): Uncertain significance (1 of 4 stars; one submission).

Submission:

Labcorp Genetics (formerly Invitae), Labcorp
Classification: Uncertain significance. Last evaluated: 2021-10-21. Review status: criteria provided, single submitter. Criteria: Invitae Variant Classification Sherloc (09022015). Collection method: clinical testing. Allele origin: germline.
Comment: In summary, the available evidence is currently insufficient to determine the role of this variant in disease. Therefore, it has been classified as a Variant of Uncertain Significance. Algorithms developed to predict the effect of missense changes on protein structure and function are either unavailable or do not agree on the potential impact of this missense change (SIFT: "Deleterious"; PolyPhen-2: "Possibly Damaging"; Align-GVGD: "Class C0"). This variant has not been reported in the literature in individuals affected with TOP2B-related conditions. This variant is not present in population databases (ExAC no frequency). This sequence change replaces aspartic acid with histidine at codon 1201 of the TOP2B protein (p.Asp1201His). The aspartic acid residue is moderately conserved and there is a moderate physicochemical difference between aspartic acid and histidine.

NM_001330700.2(TOP2B):c.3616G>C (p.Asp1206His)

Gene: TOP2B (DNA topoisomerase II beta; minus strand). Cytogenetic location: 3p24.2.
Variant type: single nucleotide variant.
Coding change: c.3616G>C on transcript NM_001330700.2 (MANE Select); coding-DNA position 3616, G replaced by C.
Protein change: p.Asp1206His; replaces aspartic acid 1206 with histidine.
Molecular consequence: missense variant.
Genome position (GRCh38, 1-based): chr3:25,612,685, C>G on the plus strand (G>C on the coding strand, the complement: TOP2B is on the minus strand). VCF-style: chr3-25612685-C-G. GRCh37 (hg19) VCF-style: chr3-25654176-C-G.
Other names: c.3601G>C, p.Asp1201His (NM_001068.3); short protein forms D1201H, D1206H.
Identifiers: ClinVar variation 1388289 (VCV001388289.6), dbSNP rs1214386792, ClinGen allele CA351895376.